The following is an entry in ClinVar:

ClinVar aggregate classification (germline): Uncertain significance. Review status: criteria provided, multiple submitters, no conflicts (2 of 4 stars). 2 submissions from 2 submitters: Uncertain significance (2). Last evaluated 2021-10-12.

Conditions:
Hypertrophic cardiomyopathy. Also called: HYPERTROPHIC MYOCARDIOPATHY. Identifiers: Orphanet 217569, MedGen C0007194, MeSH D002312, MONDO:0005045, HP:0001639.

Allele frequency attached by ClinVar (database versions not stated): gnomAD exomes below 0.00001.
gnomAD v4.1: 1 of 1,614,180 alleles (0.000062%); highest among the groups gnomAD compares: Non-Finnish European, 0.000085%; no homozygotes.

Submissions (2):

Labcorp Genetics (formerly Invitae), Labcorp
Classification: Uncertain significance for Hypertrophic cardiomyopathy. Last evaluated: 2021-10-12. Review status: criteria provided, single submitter. Criteria: Invitae Variant Classification Sherloc (09022015). Collection method: clinical testing. Allele origin: germline.
Comment: In summary, the available evidence is currently insufficient to determine the role of this variant in disease. Therefore, it has been classified as a Variant of Uncertain Significance. This variant has not been reported in the literature in individuals affected with MYH7-related conditions. This variant is not present in population databases (ExAC no frequency). This sequence change creates a premature translational stop signal (p.Glu1493*) in the MYH7 gene. It is expected to result in an absent or disrupted protein product. However, the current clinical and genetic evidence is not sufficient to establish whether loss-of-function variants in MYH7 cause disease.

GeneDx
Classification: Uncertain significance. Last evaluated: 2020-01-23. Review status: criteria provided, single submitter. Criteria: GeneDx Variant Classification Process June 2021. Collection method: clinical testing. Allele origin: germline. Affected: yes.
Comment: Not observed in large population cohorts (Lek et al., 2016); Nonsense variant predicted to result in nonsense mediated decay in a gene for which loss-of-function is not a known mechanism of disease; Has not been previously published as pathogenic or benign to our knowledge

NM_000257.4(MYH7):c.4477G>T (p.Glu1493Ter)

Genes: MHRT (myosin heavy chain associated RNA transcript; plus strand), MYH7 (myosin heavy chain 7; minus strand). Cytogenetic location: 14q11.2.
Variant type: single nucleotide variant.
Coding change: c.4477G>T on transcript NM_000257.4 (MANE Select); coding-DNA position 4477, G replaced by T.
Protein change: p.Glu1493Ter; replaces glutamic acid 1493 with a stop codon.
Molecular consequence: nonsense.
Genome position (GRCh38, 1-based): chr14:23,417,195, C>A on the plus strand (G>T on the coding strand, the complement: MYH7 is on the minus strand). VCF-style: chr14-23417195-C-A. GRCh37 (hg19) VCF-style: chr14-23886404-C-A.
Other names: short protein forms E1493*.
Identifiers: ClinVar variation 1203132 (VCV001203132.9), dbSNP rs2138645254, ClinGen allele CA389038331.
Genomic context (GRCh38, chr14:23,417,195, plus strand): 5'-CTTGGGCCCCCAGCACACCCTGCAGGTTTTTGTTCTCCCGCTTGAAGGTCTCCAGATGTT[C>A]CAGGGACTCCTCATAGGCGTTCTTGAGTTTGAAGAGCTCTGTGCTGAGGGAGCGAGCCTC-3'